The following is an entry in ClinVar:

NM_001556.3(IKBKB):c.1125+1G>A

Gene: IKBKB (inhibitor of nuclear factor kappa B kinase subunit beta; plus strand). Cytogenetic location: 8p11.21.
Variant type: single nucleotide variant.
Coding change: c.1125+1G>A on transcript NM_001556.3 (MANE Select); the canonical splice donor site of the intron after coding-DNA position 1125, G replaced by A.
Molecular consequence: splice donor variant.
Genome position (GRCh38, 1-based): chr8:42,316,905, G>A. VCF-style: chr8-42316905-G-A. GRCh37 (hg19) VCF-style: chr8-42174423-G-A.
Other names: c.948+1G>A (NM_001242778.2); c.933+1G>A (NM_001190720.3).
Identifiers: ClinVar variation 4850472 (VCV004850472.1).

ClinVar aggregate classification (germline): Likely pathogenic (1 of 4 stars; one submission).

Conditions:
Severe combined immunodeficiency due to IKK2 deficiency. Also called: IMMUNODEFICIENCY 15B; Immunodeficiency 15. Identifiers: Orphanet 397787, MedGen C4747743, MONDO:0014267, OMIM 615592.

gnomAD v4.1: 1 of 1,613,798 alleles (0.000062%); highest among the groups gnomAD compares: Non-Finnish European, 0.000085%; no homozygotes.

Submission:

First Genomix Gene Laboratory, Genetic Diagnostics Department
Classification: Likely pathogenic for Severe combined immunodeficiency due to IKK2 deficiency. Last evaluated: 2025-08-22. Review status: criteria provided, single submitter. Criteria: ACMG Guidelines, 2015. Collection method: clinical testing. Allele origin: germline. Inheritance: Autosomal recessive inheritance. Affected: no. Observed: 1 variant allele.